The following is an entry in ClinVar:

NM_000038.6(APC):c.624G>T (p.Gln208His)

Gene: APC (APC regulator of Wnt signaling pathway; plus strand). Cytogenetic location: 5q22.2.
Variant type: single nucleotide variant.
Coding change: c.624G>T on transcript NM_000038.6 (MANE Select); coding-DNA position 624, G replaced by T.
Protein change: p.Gln208His; replaces glutamine 208 with histidine.
Molecular consequence: missense variant. On other transcripts: 5 prime UTR variant (4), non-coding transcript variant (2).
Genome position (GRCh38, 1-based): chr5:112,780,882, G>T. VCF-style: chr5-112780882-G-T. GRCh37 (hg19) VCF-style: chr5-112116579-G-T.
Other names: c.654G>T, p.Gln218His (NM_001127511.3, NM_001354897.2, NM_001354902.2 and 1 more transcripts); c.624G>T, p.Gln208His (NM_001354895.2, NM_001354896.2, NM_001354899.2 and 16 more transcripts); c.549G>T, p.Gln183His (NM_001354898.2, NM_001354904.2, NM_001407451.1); c.447G>T, p.Gln149His (NM_001354900.2, NM_001354901.2, NM_001354905.2 and 1 more transcripts); c.-412G>T (NM_001354906.2, NM_001407470.1, NM_001407471.1 and 1 more transcripts); short protein forms Q208H, Q218H, Q149H, Q183H.
Identifiers: ClinVar variation 4119428 (VCV004119428.1).

ClinVar aggregate classification (germline): Uncertain significance (1 of 4 stars; one submission).

Conditions:
Hereditary cancer-predisposing syndrome. Also called: Hereditary neoplastic syndrome; Neoplastic Syndromes, Hereditary; Tumor predisposition; Hereditary Cancer Syndrome. Identifiers: Orphanet 140162, MedGen C0027672, MeSH D009386, MONDO:0015356.

Submission:

Ambry Genetics
Classification: Uncertain significance for Hereditary cancer-predisposing syndrome. Last evaluated: 2025-08-14. Review status: criteria provided, single submitter. Criteria: Ambry Variant Classification Scheme 2023. Collection method: clinical testing. Allele origin: germline.
Comment: The p.Q208H variant (also known as c.624G>T), located in coding exon 5 of the APC gene, results from a G to T substitution at nucleotide position 624. The glutamine at codon 208 is replaced by histidine, an amino acid with highly similar properties. This amino acid position is conserved. In addition, in silico predictors for this gene do not accurately predict pathogenicity. Based on the available evidence, the clinical significance of this variant remains unclear.